The following is an entry in ClinVar:

NM_000218.3(KCNQ1):c.1514+28055G>A

Genes: KCNQ1 (potassium voltage-gated channel subfamily Q member 1; plus strand), KCNQ1OT1 (KCNQ1 opposite strand/antisense transcript 1; minus strand). Cytogenetic location: 11p15.5.
Variant type: single nucleotide variant.
Coding change: c.1514+28055G>A on transcript NM_000218.3 (MANE Select); 28055 bases into the intron after coding-DNA position 1514, G replaced by A.
Molecular consequence: intron variant.
Genome position (GRCh38, 1-based): chr11:2,690,136, G>A. VCF-style: chr11-2690136-G-A. GRCh37 (hg19) VCF-style: chr11-2711366-G-A.
Other names: c.1244+28055G>A (NM_001406837.1); c.1418+28055G>A (NM_001406836.1); c.974+28055G>A (NM_001406838.1); c.1133+28055G>A (NM_181798.2); c.1514+28055G>A (NM_000218.2).
Identifiers: ClinVar variation 2498497 (VCV002498497.29), dbSNP rs139764915, ClinGen allele CA216191805.

ClinVar aggregate classification (germline): Benign. Review status: criteria provided, single submitter (1 of 4 stars). 2 submissions from 2 submitters: Benign (1). 1 of the submissions does not count toward it. Last evaluated 2024-09-01.

Conditions:
KCNQ1-related disorder. Also called: KCNQ1-related condition; KCNQ1-related disorders. Identifiers: MedGen CN239322.

Allele frequency attached by ClinVar (database versions not stated): gnomAD exomes 0.00113; gnomAD 0.00119; TOPMed 0.00153; 1000 Genomes Project 30x 0.00172; 1000 Genomes Project 0.00180.
gnomAD v4.1: 474 of 398,982 alleles (0.12%); highest among the groups gnomAD compares: Admixed American, 0.4%; 2 homozygotes.

Submissions (2):

CeGaT Center for Human Genetics Tuebingen
Classification: Benign. Last evaluated: 2024-09-01. Review status: criteria provided, single submitter. Criteria: CeGaT Center For Human Genetics Tuebingen Variant Classification Criteria Version 2. Collection method: clinical testing. Allele origin: germline. Affected: yes. Observed: 9 variant alleles.
Comment: KCNQ1OT1: BS1, BS2

PreventionGenetics, part of Exact Sciences
Classification: Likely benign for KCNQ1-related condition. Last evaluated: 2020-06-12. Review status: no assertion criteria provided. Collection method: clinical testing. Allele origin: germline. Not counted in ClinVar's aggregate classification.
Comment: This variant is classified as likely benign based on ACMG/AMP sequence variant interpretation guidelines (Richards et al. 2015 PMID: 25741868, with internal and published modifications).